The following is an entry in ClinVar:

NM_001288833.2(GGT1):c.16G>C (p.Val6Leu)

Gene: GGT1 (gamma-glutamyltransferase 1; plus strand). Cytogenetic location: 22q11.23.
Variant type: single nucleotide variant.
Coding change: c.16G>C on transcript NM_001288833.2 (MANE Select); coding-DNA position 16, G replaced by C.
Protein change: p.Val6Leu; replaces valine 6 with leucine.
Molecular consequence: missense variant.
Genome position (GRCh38, 1-based): chr22:24,611,097, G>C. VCF-style: chr22-24611097-G-C. GRCh37 (hg19) VCF-style: chr22-25007064-G-C.
Other names: c.16G>C, p.Val6Leu (NM_013421.3, NM_013430.3); short protein forms V6L.
Identifiers: ClinVar variation 4886220 (VCV004886220.2).

ClinVar aggregate classification (germline): Uncertain significance (1 of 4 stars; one submission).

gnomAD v4.1: 1 of 1,603,808 alleles (0.000062%); highest among the groups gnomAD compares: African/African-American, 0.0013%; no homozygotes.

Submission:

Dasa
Classification: Uncertain significance. Last evaluated: 2024-11-04. Review status: criteria provided, single submitter. Criteria: DASA Assertion Criteria. Collection method: clinical testing. Allele origin: germline.
Comment: NM_001288833.2(GGT1):c.16G>C (p.Val6Leu) is a missense variant that results in the substitution of valine with leucine. This variant is rare in population databases. Computational prediction algorithms are consistent with a benign effect. The currently available literature and clinical evidence are not sufficient to establish a definitive association between this variant and the reported condition. Therefore, this variant is classified as a variant of uncertain significance.